The following is an entry in ClinVar:

ClinVar aggregate classification (germline): Uncertain significance (1 of 4 stars; one submission).

Conditions:
Immunodeficiency, common variable, 10. Also called: DEFICIT IN ANTERIOR PITUITARY FUNCTION AND VARIABLE IMMUNODEFICIENCY; IMMUNODEFICIENCY, COMMON VARIABLE, WITH CENTRAL ADRENAL INSUFFICIENCY. Identifiers: MedGen C3809991, MONDO:0014260, OMIM 615577.

Allele frequency attached by ClinVar (database versions not stated): gnomAD exomes below 0.00001.
gnomAD v4.1: 1 of 1,613,244 alleles (0.000062%); highest among the groups gnomAD compares: Non-Finnish European, 0.000085%; no homozygotes.

Submission:

Labcorp Genetics (formerly Invitae), Labcorp
Classification: Uncertain significance for Immunodeficiency, common variable, 10. Last evaluated: 2019-07-25. Review status: criteria provided, single submitter. Criteria: Invitae Variant Classification Sherloc (09022015). Collection method: clinical testing. Allele origin: germline.
Comment: This variant has not been reported in the literature in individuals with NFKB2-related conditions. Nucleotide substitutions within the consensus splice site are a relatively common cause of aberrant splicing (PMID: 17576681, 9536098). Algorithms developed to predict the effect of sequence changes on RNA splicing suggest that this variant may create or strengthen a splice site, but this prediction has not been confirmed by published transcriptional studies. In summary, the available evidence is currently insufficient to determine the role of this variant in disease. Therefore, it has been classified as a Variant of Uncertain Significance. This sequence change falls in intron 11 of the NFKB2 gene. It does not directly change the encoded amino acid sequence of the NFKB2 protein, but it affects a nucleotide within the consensus splice site of the intron. This variant is not present in population databases (ExAC no frequency).

Literature cited by the submitters: PubMed 17576681; PubMed 9536098.

NM_001322934.2(NFKB2):c.991+5A>G

Gene: NFKB2 (nuclear factor kappa B subunit 2; plus strand). Cytogenetic location: 10q24.32.
Variant type: single nucleotide variant.
Coding change: c.991+5A>G on transcript NM_001322934.2 (MANE Select); 5 bases into the intron after coding-DNA position 991, A replaced by G.
Molecular consequence: intron variant.
Genome position (GRCh38, 1-based): chr10:102,398,528, A>G. VCF-style: chr10-102398528-A-G. GRCh37 (hg19) VCF-style: chr10-104158285-A-G.
Other names: c.991+5A>G (NM_001288724.1, NM_001322935.1, NM_001077494.3 and 2 more transcripts).
Identifiers: ClinVar variation 947013 (VCV000947013.9), dbSNP rs2061156558, ClinGen allele CA1139661665.